The following is an entry in ClinVar:

ClinVar aggregate classification (germline): Likely benign. Review status: criteria provided, multiple submitters, no conflicts (2 of 4 stars). 3 submissions from 3 submitters: Likely benign (3). Last evaluated 2025-09-01.

Conditions:
Cardiovascular phenotype. Identifiers: MedGen CN230736.
Dilated cardiomyopathy 1G (CMD1G). Identifiers: Orphanet 154, MedGen C1858763, MONDO:0011400, OMIM 604145.
Autosomal recessive limb-girdle muscular dystrophy type 2J (LGMDR10). Also called: Limb-girdle muscular dystrophy, type 2J; MUSCULAR DYSTROPHY, LIMB-GIRDLE, AUTOSOMAL RECESSIVE 10. Identifiers: Orphanet 140922, MedGen C1837342, MONDO:0012127, OMIM 608807.

Allele frequency attached by ClinVar (database versions not stated): gnomAD exomes below 0.00001.
gnomAD v4.1: 3 of 1,612,190 alleles (0.00019%); highest among the groups gnomAD compares: Non-Finnish European, 0.00017%; no homozygotes.

Submissions (3):

CeGaT Center for Human Genetics Tuebingen
Classification: Likely benign. Last evaluated: 2025-09-01. Review status: criteria provided, single submitter. Criteria: CeGaT Center For Human Genetics Tuebingen Variant Classification Criteria Version 2. Collection method: clinical testing. Allele origin: germline. Affected: yes. Observed: 1 variant allele.
Comment: TTN: BP4, BP7

Labcorp Genetics (formerly Invitae), Labcorp
Classification: Likely benign for Dilated cardiomyopathy 1G; Autosomal recessive limb-girdle muscular dystrophy type 2J. Last evaluated: 2025-03-07. Review status: criteria provided, single submitter. Criteria: Invitae Variant Classification Sherloc (09022015). Collection method: clinical testing. Allele origin: germline.

Ambry Genetics
Classification: Likely benign for Cardiovascular phenotype. Last evaluated: 2024-07-30. Review status: criteria provided, single submitter. Criteria: Ambry Variant Classification Scheme 2023. Collection method: clinical testing. Allele origin: germline.

NM_001267550.2(TTN):c.46842T>C (p.Asp15614=)

Genes: TTN (titin; minus strand), TTN-AS1 (TTN antisense RNA 1; plus strand). Cytogenetic location: 2q31.2.
Variant type: single nucleotide variant.
Coding change: c.46842T>C on transcript NM_001267550.2 (MANE Select); coding-DNA position 46842, T replaced by C.
Protein change: p.Asp15614=; no amino-acid change (aspartic acid 15614 retained).
Molecular consequence: synonymous variant.
Genome position (GRCh38, 1-based): chr2:178,618,708, A>G on the plus strand (T>C on the coding strand, the complement: TTN is on the minus strand). VCF-style: chr2-178618708-A-G. GRCh37 (hg19) VCF-style: chr2-179483435-A-G.
Other names: c.41919T>C, p.Asp13973= (NM_001256850.1); c.19647T>C, p.Asp6549= (NM_003319.4); c.39138T>C, p.Asp13046= (NM_133378.4); c.20022T>C, p.Asp6674= (NM_133432.3); c.20223T>C, p.Asp6741= (NM_133437.4).
Identifiers: ClinVar variation 2922995 (VCV002922995.11), dbSNP rs2470912982, ClinGen allele CA430274895.